The following is an entry in ClinVar:

ClinVar aggregate classification (germline): Uncertain significance. Review status: criteria provided, multiple submitters, no conflicts (2 of 4 stars). 2 submissions from 2 submitters: Uncertain significance (2). Last evaluated 2025-02-06.

Conditions:
Cardiovascular phenotype. Identifiers: MedGen CN230736.

Submissions (2):

GeneDx
Classification: Uncertain significance. Last evaluated: 2025-02-06. Review status: criteria provided, single submitter. Criteria: GeneDx Variant Classification Process June 2021. Collection method: clinical testing. Allele origin: germline. Affected: yes.
Comment: Not observed at significant frequency in large population cohorts (gnomAD); In silico analysis supports that this missense variant has a deleterious effect on protein structure/function; Has not been previously published as pathogenic or benign to our knowledge

Ambry Genetics
Classification: Uncertain significance for Cardiovascular phenotype. Last evaluated: 2022-10-17. Review status: criteria provided, single submitter. Criteria: Ambry Variant Classification Scheme 2023. Collection method: clinical testing. Allele origin: germline.
Comment: The p.I1204F variant (also known as c.3610A>T), located in coding exon 21 of the FLNC gene, results from an A to T substitution at nucleotide position 3610. The isoleucine at codon 1204 is replaced by phenylalanine, an amino acid with highly similar properties. This amino acid position is conserved. In addition, the in silico prediction for this alteration is inconclusive. Since supporting evidence is limited at this time, the clinical significance of this alteration remains unclear.

NM_001458.5(FLNC):c.3610A>T (p.Ile1204Phe)

Gene: FLNC (filamin C; plus strand). Cytogenetic location: 7q32.1.
Variant type: single nucleotide variant.
Coding change: c.3610A>T on transcript NM_001458.5 (MANE Select); coding-DNA position 3610, A replaced by T.
Protein change: p.Ile1204Phe; replaces isoleucine 1204 with phenylalanine.
Molecular consequence: missense variant.
Genome position (GRCh38, 1-based): chr7:128,845,075, A>T. VCF-style: chr7-128845075-A-T. GRCh37 (hg19) VCF-style: chr7-128485129-A-T.
Other names: c.3610A>T, p.Ile1204Phe (NM_001127487.2); short protein forms I1204F.
Identifiers: ClinVar variation 1733228 (VCV001733228.3), dbSNP rs2536638136, ClinGen allele CA369197345.
Genomic context (GRCh38, chr7:128,845,075, plus strand): 5'-GGCGAGGCGGAGCTGACCATTGAGATCCTGTCGGATGCCGGGGTCAAGGCCGAGGTGCTG[A>T]TCCACAACAACGCGGATGGCACCTACCACATCACCTACAGCCCTGCCTTCCCTGGCACCT-3'
Protein context (NP_001449.3, residues 1194-1214): SDAGVKAEVL[Ile1204Phe]HNNADGTYHI